The following is an entry in ClinVar:

ClinVar aggregate classification (germline): Conflicting classifications of pathogenicity. Review status: criteria provided, conflicting classifications (1 of 4 stars). 11 submissions from 10 submitters: Uncertain significance (6); Likely benign (3). 2 of the submissions do not count toward it. Last evaluated 2026-07-18.

Conditions:
MKKS-related disorder. Also called: MKKS-related disorders; MKKS-related condition.
Inborn genetic diseases. Identifiers: MedGen C0950123, MeSH D030342.
Bardet-Biedl syndrome (BBS). Identifiers: Orphanet 110, MedGen C0752166, MONDO:0015229.
McKusick-Kaufman syndrome (MKKS). Also called: HYDROMETROCOLPOS SYNDROME; HYDROMETROCOLPOS, POSTAXIAL POLYDACTYLY, AND CONGENITAL HEART MALFORMATION. Identifiers: Orphanet 2473, MedGen C0948368, MONDO:0009367, OMIM 236700.
Bardet-Biedl syndrome 6 (BBS6). Identifiers: Orphanet 110, MedGen C1858054, MONDO:0011523, OMIM 605231.

Allele frequency attached by ClinVar (database versions not stated): gnomAD exomes 0.00060 and 0.00130; gnomAD 0.00068 and 0.00064; ESP Exome Variant Server 0.00077; TOPMed 0.00073; ExAC 0.00054.
gnomAD v4.1: 1,964 of 1,613,950 alleles (0.12%); highest among the groups gnomAD compares: Non-Finnish European, 0.16%; 2 homozygotes.

Submissions (11):

PreventionGenetics, part of Exact Sciences
Classification: Uncertain significance for MKKS-related condition. Last evaluated: 2026-07-18. Review status: criteria provided, single submitter. Criteria: ACMG Guidelines, 2015. Collection method: clinical testing. Allele origin: germline.
Comment: The MKKS c.67A>G variant is predicted to result in the amino acid substitution p.Arg23Gly. This variant was identified in the heterozygous state, along with additional variants in BMPR1B, DOCK4, and SPECC1L, in a patient with Mayer-Rokitansky-Kuster-Hauser syndrome (Backhouse et al. 2018. PubMed ID: 30504698); however, this variant was reported in the homozygous state in an apparently healthy control subject (Lim et al. 2014. PubMed ID: 25439097, supplementary data). This variant is reported in 0.11% of alleles in individuals of European (Non-Finnish) descent in gnomAD, which is likely too common to be a primary cause of disease. Although we suspect that this variant may be benign, at this time, the clinical significance of this variant is uncertain due to the absence of conclusive functional and genetic evidence.

GeneDx
Classification: Uncertain significance. Last evaluated: 2026-04-03. Review status: criteria provided, single submitter. Criteria: GeneDx Variant Classification Process June 2021. Collection method: clinical testing. Allele origin: germline.
Comment: Observed in a patient with Mayer-Rokitansky-Kster-Hauser syndrome in published literature; this patient also harbored additional variants that may contribute to the phenotype (PMID: 30504698); In silico analysis suggests that this missense variant does not alter protein structure/function; This variant is associated with the following publications: (PMID: 30504698)

Labcorp Genetics (formerly Invitae), Labcorp
Classification: Likely benign for McKusick-Kaufman syndrome; Bardet-Biedl syndrome. Last evaluated: 2026-01-14. Review status: criteria provided, single submitter. Criteria: Invitae Variant Classification Sherloc (09022015). Collection method: clinical testing. Allele origin: germline.

Blueprint Genetics
Classification: Likely benign. Last evaluated: 2024-11-27. Review status: criteria provided, single submitter. Criteria: ACMG Guidelines, 2015. Collection method: clinical testing. Allele origin: germline.

Ambry Genetics
Classification: Uncertain significance for Inborn genetic diseases. Last evaluated: 2021-10-06. Review status: criteria provided, single submitter. Criteria: Ambry Variant Classification Scheme 2023. Collection method: clinical testing. Allele origin: germline.

Genetic Services Laboratory, University of Chicago
Classification: Uncertain significance. Last evaluated: 2019-05-15. Review status: criteria provided, single submitter. Criteria: ACMG Guidelines, 2015. Collection method: clinical testing. Allele origin: germline. Affected: no.

Illumina Laboratory Services, Illumina
Classification: Uncertain significance for McKusick-Kaufman syndrome. Last evaluated: 2017-04-27. Review status: criteria provided, single submitter. Criteria: ICSL Variant Classification Criteria 13 December 2019. Collection method: clinical testing. Allele origin: germline.

Illumina Laboratory Services, Illumina
Classification: Uncertain significance for Bardet-Biedl syndrome 6. Last evaluated: 2017-04-27. Review status: criteria provided, single submitter. Criteria: ICSL Variant Classification Criteria 13 December 2019. Collection method: clinical testing. Allele origin: germline.

Eurofins Ntd Llc (ga)
Classification: Likely benign. Last evaluated: 2016-11-09. Review status: criteria provided, single submitter. Criteria: EGL Classification Definitions 2015. Collection method: clinical testing. Allele origin: germline. Observed: 1 variant allele, 1 heterozygote.

Genome Diagnostics Laboratory, University Medical Center Utrecht
Classification: Likely benign. Review status: no assertion criteria provided. Collection method: clinical testing. Allele origin: germline. Affected: yes. Study: VKGL Data-share Consensus. Not counted in ClinVar's aggregate classification.

Laboratory of Diagnostic Genome Analysis, Leiden University Medical Center (LUMC)
Classification: Likely benign. Review status: no assertion criteria provided. Collection method: clinical testing. Allele origin: germline. Affected: yes. Study: VKGL Data-share Consensus. Not counted in ClinVar's aggregate classification.

NM_170784.3(MKKS):c.67A>G (p.Arg23Gly)

Gene: MKKS (MKKS centrosomal shuttling protein; minus strand). Cytogenetic location: 20p12.2.
Variant type: single nucleotide variant.
Coding change: c.67A>G on transcript NM_170784.3 (MANE Select); coding-DNA position 67, A replaced by G.
Protein change: p.Arg23Gly; replaces arginine 23 with glycine.
Molecular consequence: missense variant.
Genome position (GRCh38, 1-based): chr20:10,413,448, T>C on the plus strand (A>G on the coding strand, the complement: MKKS is on the minus strand). VCF-style: chr20-10413448-T-C. GRCh37 (hg19) VCF-style: chr20-10394096-T-C.
Other names: c.67A>G, p.Arg23Gly (NM_018848.3); c.67A>G (NM_018848.2); short protein forms R23G.
Identifiers: ClinVar variation 497476 (VCV000497476.30), dbSNP rs147545395, ClinGen allele CA9763749.